The following is an entry in ClinVar:

ClinVar aggregate classification (germline): Uncertain significance. Review status: criteria provided, multiple submitters, no conflicts (2 of 4 stars). 2 submissions from 2 submitters: Uncertain significance (2). Last evaluated 2026-08-11.

Conditions:
Inborn genetic diseases. Identifiers: MedGen C0950123, MeSH D030342.
Pulmonary fibrosis and/or bone marrow failure, Telomere-related, 3. Also called: PULMONARY FIBROSIS AND/OR BONE MARROW FAILURE SYNDROME, TELOMERE-RELATED, 3. Identifiers: Orphanet 2032, MedGen C4225346, MONDO:0014613, OMIM 616373.
Dyskeratosis congenita, autosomal recessive 5 (DKCB5). Identifiers: MedGen C3554656, MONDO:0014076, OMIM 615190.

Allele frequency attached by ClinVar (database versions not stated): gnomAD exomes below 0.00001.
gnomAD v4.1: 1 of 1,612,382 alleles (0.000062%); highest among the groups gnomAD compares: Non-Finnish European, 0.000085%; no homozygotes.

Submissions (2):

Ambry Genetics
Classification: Uncertain significance for Inborn genetic diseases. Last evaluated: 2026-08-11. Review status: criteria provided, single submitter. Criteria: Ambry Variant Classification Scheme 2023. Collection method: clinical testing. Allele origin: germline.
Comment: The p.Q1015H variant (also known as c.3045G>C), located in coding exon 30 of the RTEL1 gene, results from a G to C substitution at nucleotide position 3045. The glutamine at codon 1015 is replaced by histidine, an amino acid with highly similar properties. This amino acid position is conserved. In addition, the in silico prediction for this alteration is inconclusive. Based on the available evidence, the clinical significance of this variant remains unclear.

Labcorp Genetics (formerly Invitae), Labcorp
Classification: Uncertain significance for Dyskeratosis congenita, autosomal recessive 5; Pulmonary fibrosis and/or bone marrow failure, Telomere-related, 3. Last evaluated: 2021-09-24. Review status: criteria provided, single submitter. Criteria: Invitae Variant Classification Sherloc (09022015). Collection method: clinical testing. Allele origin: germline.
Comment: This sequence change replaces glutamine with histidine at codon 1015 of the RTEL1 protein (p.Gln1015His). The glutamine residue is moderately conserved and there is a small physicochemical difference between glutamine and histidine. This variant is not present in population databases (ExAC no frequency). This variant has not been reported in the literature in individuals affected with RTEL1-related conditions. Algorithms developed to predict the effect of missense changes on protein structure and function output the following: SIFT: "Deleterious"; PolyPhen-2: "Benign"; Align-GVGD: "Class C0". The histidine amino acid residue is found in multiple mammalian species, which suggests that this missense change does not adversely affect protein function. In summary, the available evidence is currently insufficient to determine the role of this variant in disease. Therefore, it has been classified as a Variant of Uncertain Significance.

NM_001283009.2(RTEL1):c.3045G>C (p.Gln1015His)

Genes: RTEL1 (regulator of telomere elongation helicase 1; plus strand), RTEL1-TNFRSF6B (RTEL1-TNFRSF6B readthrough (NMD candidate); plus strand). Cytogenetic location: 20q13.33.
Variant type: single nucleotide variant.
Coding change: c.3045G>C on transcript NM_001283009.2 (MANE Select); coding-DNA position 3045, G replaced by C.
Protein change: p.Gln1015His; replaces glutamine 1015 with histidine.
Molecular consequence: missense variant. On other transcripts: non-coding transcript variant (1).
Genome position (GRCh38, 1-based): chr20:63,694,424, G>C. VCF-style: chr20-63694424-G-C. GRCh37 (hg19) VCF-style: chr20-62325777-G-C.
Other names: c.2376G>C, p.Gln792His (NM_001283010.1); c.3045G>C, p.Gln1015His (NM_016434.4); c.3117G>C, p.Gln1039His (NM_032957.5); short protein forms Q1039H, Q792H, Q1015H.
Identifiers: ClinVar variation 1400216 (VCV001400216.10), dbSNP rs2145471144, ClinGen allele CA409684498.